The following is an entry in ClinVar:

NM_020366.4(RPGRIP1):c.3029G>T (p.Arg1010Ile)

Gene: RPGRIP1 (RPGR interacting protein 1; plus strand). Cytogenetic location: 14q11.2.
Variant type: single nucleotide variant.
Coding change: c.3029G>T on transcript NM_020366.4 (MANE Select); coding-DNA position 3029, G replaced by T.
Protein change: p.Arg1010Ile; replaces arginine 1010 with isoleucine.
Molecular consequence: missense variant.
Genome position (GRCh38, 1-based): chr14:21,328,557, G>T. VCF-style: chr14-21328557-G-T. GRCh37 (hg19) VCF-style: chr14-21796716-G-T.
Other names: c.1007G>T, p.Arg336Ile (NM_001377523.1, NM_001377950.1); c.1955G>T, p.Arg652Ile (NM_001377948.1); c.1115G>T, p.Arg372Ile (NM_001377949.1); c.509G>T, p.Arg170Ile (NM_001377951.1); short protein forms R170I, R1010I, R336I, R372I, R652I.
Identifiers: ClinVar variation 1037621 (VCV001037621.7), dbSNP rs969637624, ClinGen allele CA257536364.

ClinVar aggregate classification (germline): Uncertain significance (1 of 4 stars; one submission).

Conditions:
Cone-rod dystrophy 13 (CORD13). Identifiers: Orphanet 1872, MedGen C2750720, MONDO:0011987, OMIM 608194.
Leber congenital amaurosis 6 (LCA6). Identifiers: Orphanet 65, MedGen C1854260, MONDO:0013446, OMIM 613826.

Allele frequency attached by ClinVar (database versions not stated): TOPMed 0.00002.
gnomAD v4.1: 2 of 1,613,624 alleles (0.00012%); highest among the groups gnomAD compares: African/African-American, 0.0027%; no homozygotes.

Submission:

Labcorp Genetics (formerly Invitae), Labcorp
Classification: Uncertain significance for Leber congenital amaurosis 6; Cone-rod dystrophy 13. Last evaluated: 2022-10-24. Review status: criteria provided, single submitter. Criteria: Invitae Variant Classification Sherloc (09022015). Collection method: clinical testing. Allele origin: germline.
Comment: In summary, the available evidence is currently insufficient to determine the role of this variant in disease. Therefore, it has been classified as a Variant of Uncertain Significance. Advanced modeling of protein sequence and biophysical properties (such as structural, functional, and spatial information, amino acid conservation, physicochemical variation, residue mobility, and thermodynamic stability) performed at Invitae indicates that this missense variant is expected to disrupt RPGRIP1 protein function. ClinVar contains an entry for this variant (Variation ID: 1037621). This variant has not been reported in the literature in individuals affected with RPGRIP1-related conditions. This variant is not present in population databases (gnomAD no frequency). This sequence change replaces arginine, which is basic and polar, with isoleucine, which is neutral and non-polar, at codon 1010 of the RPGRIP1 protein (p.Arg1010Ile).